The following is an entry in ClinVar:

NM_000059.4(BRCA2):c.7049C>T (p.Thr2350Ile)

Gene: BRCA2 (BRCA2 DNA repair associated; plus strand). Cytogenetic location: 13q13.1.
Variant type: single nucleotide variant.
Coding change: c.7049C>T on transcript NM_000059.4 (MANE Select); coding-DNA position 7049, C replaced by T.
Protein change: p.Thr2350Ile; replaces threonine 2350 with isoleucine.
Molecular consequence: missense variant.
Genome position (GRCh38, 1-based): chr13:32,354,902, C>T. VCF-style: chr13-32354902-C-T. GRCh37 (hg19) VCF-style: chr13-32929039-C-T.
Other names: short protein forms T2350I.
Identifiers: ClinVar variation 141569 (VCV000141569.7), dbSNP rs587781847, ClinGen allele CA024789.
Genomic context (GRCh38, chr13:32,354,902, plus strand): 5'-TATTTTCTCCCCATTGCAGCACAACTAAGGAACGTCAAGAGATACAGAATCCAAATTTTA[C>T]CGCACCTGGTCAAGAATTTCTGTCTAAATCTCATTTGTATGAACATCTGACTTTGGAAAA-3'
Protein context (NP_000050.3, residues 2340-2360): ERQEIQNPNF[Thr2350Ile]APGQEFLSKS

ClinVar aggregate classification (germline): Uncertain significance. Review status: criteria provided, multiple submitters, no conflicts (2 of 4 stars). 2 submissions from 2 submitters: Uncertain significance (2). Last evaluated 2025-10-29.

Conditions:
BRCA2-related cancer predisposition. Identifiers: MedGen CN377758, MONDO:0700269.
Hereditary cancer-predisposing syndrome. Also called: Neoplastic Syndromes, Hereditary; Tumor predisposition; Hereditary Cancer Syndrome; Hereditary neoplastic syndrome. Identifiers: Orphanet 140162, MedGen C0027672, MeSH D009386, MONDO:0015356.

Allele frequency attached by ClinVar (database versions not stated): gnomAD exomes below 0.00001.
gnomAD v4.1: 4 of 1,613,420 alleles (0.00025%); highest among the groups gnomAD compares: Non-Finnish European, 0.00034%; no homozygotes.

Submissions (2):

Ambry Genetics
Classification: Uncertain significance for Hereditary cancer-predisposing syndrome. Last evaluated: 2025-10-29. Review status: criteria provided, single submitter. Criteria: Ambry Variant Classification Scheme 2023. Collection method: clinical testing. Allele origin: germline.
Comment: The p.T2350I variant (also known as c.7049C>T), located in coding exon 13 of the BRCA2 gene, results from a C to T substitution at nucleotide position 7049. The threonine at codon 2350 is replaced by isoleucine, an amino acid with similar properties. This amino acid position is highly conserved in available vertebrate species. In addition, the in silico prediction for this alteration is inconclusive. Since supporting evidence is limited at this time, the clinical significance of this alteration remains unclear.

All of Us Research Program, National Institutes of Health
Classification: Uncertain significance for BRCA2-related cancer predisposition. Last evaluated: 2024-05-14. Review status: criteria provided, single submitter. Criteria: ACMG Guidelines, 2015. Collection method: clinical testing. Allele origin: germline. Inheritance: Autosomal dominant inheritance. Observed: 1 variant allele, 1 heterozygote.
Comment: This missense variant replaces threonine with isoleucine at codon 2350 of the BRCA2 protein. Computational prediction suggests that this variant may not impact protein structure and function. A functional study in Brca2-deficient mouse embryonic stem cells has shown that this variant does not impact cell viability or response to cisplatin or olaparib (PMID: 37922907). This variant has been reported in an individual affected with breast cancer (PMID: 33471991; Leiden Open Variation Database DB-ID BRCA2_008567). This variant has not been identified in the general population by the Genome Aggregation Database (gnomAD). The available evidence is insufficient to determine the role of this variant in disease conclusively. Therefore, this variant is classified as a Variant of Uncertain Significance.

This study involves interpretation of variants in research participants for the purpose of population health screening. Participant phenotype was not available at the time of variant classification. Additional details can be found in publication PMID: 35346344, PMCID: PMC8962531

Literature cited by the submitters: PubMed 33471991 (cited by All of Us Research Program, National Institutes of Health); PubMed 37922907 (cited by All of Us Research Program, National Institutes of Health).